The following is an entry in ClinVar:

ClinVar aggregate classification (germline): Likely pathogenic (1 of 4 stars; one submission).

Conditions:
Lissencephaly due to TUBA1A mutation (CDCBM16). Also called: CORTICAL DYSPLASIA, COMPLEX, WITH OTHER BRAIN MALFORMATIONS 16; Lissencephaly 3. Identifiers: Orphanet 171680, MedGen C4305153, MONDO:0012703, OMIM 611603.

Submission:

Daryl Scott Lab, Baylor College of Medicine
Classification: Likely pathogenic for Lissencephaly due to TUBA1A mutation. Last evaluated: 2025-08-25. Review status: criteria provided, single submitter. Criteria: ACMG Guidelines, 2015. Collection method: clinical testing. Allele origin: de novo. Affected: yes. Observed: 1 heterozygote.
Comment: PS2, PM2

NM_006009.4(TUBA1A):c.814T>C (p.Tyr272His)

Gene: TUBA1A (tubulin alpha 1a; minus strand). Cytogenetic location: 12q13.12.
Variant type: single nucleotide variant.
Coding change: c.814T>C on transcript NM_006009.4 (MANE Select); coding-DNA position 814, T replaced by C.
Protein change: p.Tyr272His; replaces tyrosine 272 with histidine.
Molecular consequence: missense variant.
Genome position (GRCh38, 1-based): chr12:49,185,552, A>G on the plus strand (T>C on the coding strand, the complement: TUBA1A is on the minus strand). VCF-style: chr12-49185552-A-G. GRCh37 (hg19) VCF-style: chr12-49579335-A-G.
Other names: c.814T>C, p.Tyr272His (NM_001270399.2); c.709T>C, p.Tyr237His (NM_001270400.2); short protein forms Y237H, Y272H.
Identifiers: ClinVar variation 4279680 (VCV004279680.1).